The following is an entry in ClinVar:

ClinVar aggregate classification (germline): Uncertain significance (1 of 4 stars; one submission).

Conditions:
Epidermodysplasia verruciformis. Identifiers: Orphanet 302, MedGen C0014522, MONDO:0009176.

Allele frequency attached by ClinVar (database versions not stated): gnomAD exomes below 0.00001.

Submission:

Labcorp Genetics (formerly Invitae), Labcorp
Classification: Uncertain significance for Epidermodysplasia verruciformis. Last evaluated: 2022-05-22. Review status: criteria provided, single submitter. Criteria: Invitae Variant Classification Sherloc (09022015). Collection method: clinical testing. Allele origin: germline.
Comment: In summary, the available evidence is currently insufficient to determine the role of this variant in disease. Therefore, it has been classified as a Variant of Uncertain Significance. Algorithms developed to predict the effect of missense changes on protein structure and function are either unavailable or do not agree on the potential impact of this missense change (SIFT: "Tolerated"; PolyPhen-2: "Probably Damaging"; Align-GVGD: "Class C0"). This variant has not been reported in the literature in individuals affected with TMC8-related conditions. This variant is not present in population databases (gnomAD no frequency). This sequence change replaces leucine, which is neutral and non-polar, with proline, which is neutral and non-polar, at codon 297 of the TMC8 protein (p.Leu297Pro).

NM_152468.5(TMC8):c.890T>C (p.Leu297Pro)

Gene: TMC8 (transmembrane channel like 8; plus strand). Cytogenetic location: 17q25.3.
Variant type: single nucleotide variant.
Coding change: c.890T>C on transcript NM_152468.5 (MANE Select); coding-DNA position 890, T replaced by C.
Protein change: p.Leu297Pro; replaces leucine 297 with proline.
Molecular consequence: missense variant.
Genome position (GRCh38, 1-based): chr17:78,134,467, T>C. VCF-style: chr17-78134467-T-C. GRCh37 (hg19) VCF-style: chr17-76130548-T-C.
Other names: short protein forms L297P.
Identifiers: ClinVar variation 1984094 (VCV001984094.4), dbSNP rs2075164494, ClinGen allele CA401244932.